The following is an entry in ClinVar:

NM_006766.5(KAT6A):c.5684G>A (p.Arg1895His)

Gene: KAT6A (lysine acetyltransferase 6A; minus strand). Cytogenetic location: 8p11.21.
Variant type: single nucleotide variant.
Coding change: c.5684G>A on transcript NM_006766.5 (MANE Select); coding-DNA position 5684, G replaced by A.
Protein change: p.Arg1895His; replaces arginine 1895 with histidine.
Molecular consequence: missense variant.
Genome position (GRCh38, 1-based): chr8:41,932,536, C>T on the plus strand (G>A on the coding strand, the complement: KAT6A is on the minus strand). VCF-style: chr8-41932536-C-T. GRCh37 (hg19) VCF-style: chr8-41790054-C-T.
Other names: short protein forms R1895H.
Identifiers: ClinVar variation 2968773 (VCV002968773.3), dbSNP rs1821603652, ClinGen allele CA371060891.

ClinVar aggregate classification (germline): Uncertain significance (1 of 4 stars; one submission).

Allele frequency attached by ClinVar (database versions not stated): gnomAD 0.00001; gnomAD exomes 0.00001.
gnomAD v4.1: 10 of 1,614,250 alleles (0.00062%); highest among the groups gnomAD compares: South Asian, 0.0022%; 1 homozygote.

Submission:

Labcorp Genetics (formerly Invitae), Labcorp
Classification: Uncertain significance. Last evaluated: 2023-03-10. Review status: criteria provided, single submitter. Criteria: Invitae Variant Classification Sherloc (09022015). Collection method: clinical testing. Allele origin: germline.
Comment: In summary, the available evidence is currently insufficient to determine the role of this variant in disease. Therefore, it has been classified as a Variant of Uncertain Significance. Experimental studies and prediction algorithms are not available or were not evaluated, and the functional significance of this variant is currently unknown. This variant has not been reported in the literature in individuals affected with KAT6A-related conditions. This variant is not present in population databases (gnomAD no frequency). This sequence change replaces arginine, which is basic and polar, with histidine, which is basic and polar, at codon 1895 of the KAT6A protein (p.Arg1895His).